The following is an entry in ClinVar:

NM_015122.3(FCHO1):c.1385C>A (p.Ser462Tyr)

Gene: FCHO1 (FCH and mu domain containing endocytic adaptor 1; plus strand). Cytogenetic location: 19p13.11.
Variant type: single nucleotide variant.
Coding change: c.1385C>A on transcript NM_015122.3 (MANE Select); coding-DNA position 1385, C replaced by A.
Protein change: p.Ser462Tyr; replaces serine 462 with tyrosine.
Molecular consequence: missense variant. On other transcripts: non-coding transcript variant (14), intron variant (15).
Genome position (GRCh38, 1-based): chr19:17,778,642, C>A. VCF-style: chr19-17778642-C-A. GRCh37 (hg19) VCF-style: chr19-17889451-C-A.
Other names: c.1385C>A, p.Ser462Tyr (NM_001161357.2, NM_001161358.2, NM_001384370.1 and 13 more transcripts); c.1235C>A, p.Ser412Tyr (NM_001161359.2, NM_001384384.1, NM_001384385.1 and 1 more transcripts); c.1346C>A, p.Ser449Tyr (NM_001384388.1, NM_001384389.1, NM_001384405.1); c.1310C>A, p.Ser437Tyr (NM_001384390.1); c.1351+414C>A (NM_001384396.1, NM_001384404.1, NM_001384398.1 and 5 more transcripts); c.1201+414C>A (NM_001384406.1); c.1057+2371C>A (NM_001384407.1); c.1352-84C>A (NM_001384393.1, NM_001384394.1, NM_001384392.1 and 1 more transcripts); and 1 more; short protein forms S462Y, S437Y, S449Y, S412Y.
Identifiers: ClinVar variation 3692580 (VCV003692580.1).

ClinVar aggregate classification (germline): Uncertain significance (1 of 4 stars; one submission).

gnomAD v4.1: 1 of 1,577,708 alleles (0.000063%); highest among the groups gnomAD compares: Non-Finnish European, 0.000086%; no homozygotes.

Submission:

Labcorp Genetics (formerly Invitae), Labcorp
Classification: Uncertain significance. Last evaluated: 2024-09-22. Review status: criteria provided, single submitter. Criteria: Invitae Variant Classification Sherloc (09022015). Collection method: clinical testing. Allele origin: germline.
Comment: This sequence change replaces serine, which is neutral and polar, with tyrosine, which is neutral and polar, at codon 462 of the FCHO1 protein (p.Ser462Tyr). This variant is not present in population databases (gnomAD no frequency). This variant has not been reported in the literature in individuals affected with FCHO1-related conditions. An algorithm developed to predict the effect of missense changes on protein structure and function (PolyPhen-2) suggests that this variant is likely to be disruptive. In summary, the available evidence is currently insufficient to determine the role of this variant in disease. Therefore, it has been classified as a Variant of Uncertain Significance.